The following is an entry in ClinVar:

ClinVar aggregate classification (germline): Uncertain significance. Review status: criteria provided, multiple submitters, no conflicts (2 of 4 stars). 2 submissions from 2 submitters: Uncertain significance (2). Last evaluated 2025-11-07.

Allele frequency attached by ClinVar (database versions not stated): gnomAD exomes 0.00011; ExAC 0.00004; TOPMed 0.00003; gnomAD 0.00007.
gnomAD v4.1: 166 of 1,613,898 alleles (0.01%); highest among the groups gnomAD compares: Non-Finnish European, 0.013%; no homozygotes.

Submissions (2):

Mayo Clinic Laboratories, Mayo Clinic
Classification: Uncertain significance. Last evaluated: 2025-11-07. Review status: criteria provided, single submitter. Criteria: ACMG Guidelines, 2015. Collection method: clinical testing. Allele origin: germline. Observed: 1 variant allele.
Comment: BP4_moderate

Ambry Genetics
Classification: Uncertain significance. Last evaluated: 2023-12-28. Review status: criteria provided, single submitter. Criteria: Ambry Variant Classification Scheme 2023. Collection method: clinical testing. Allele origin: germline.

NM_014813.3(LRIG2):c.734A>G (p.Lys245Arg)

Gene: LRIG2 (leucine rich repeats and immunoglobulin like domains 2; plus strand). Cytogenetic location: 1p13.2.
Variant type: single nucleotide variant.
Coding change: c.734A>G on transcript NM_014813.3 (MANE Select); coding-DNA position 734, A replaced by G.
Protein change: p.Lys245Arg; replaces lysine 245 with arginine.
Molecular consequence: missense variant.
Genome position (GRCh38, 1-based): chr1:113,094,686, A>G. VCF-style: chr1-113094686-A-G. GRCh37 (hg19) VCF-style: chr1-113637308-A-G.
Other names: p.Lys245Arg; c.425A>G, p.Lys142Arg (NM_001312686.2); short protein forms K245R, K142R.
Identifiers: ClinVar variation 3120051 (VCV003120051.2), dbSNP rs773199605, ClinGen allele CA1011780.